The following is an entry in ClinVar:

ClinVar aggregate classification (germline): Pathogenic. Review status: criteria provided, multiple submitters, no conflicts (2 of 4 stars). 2 submissions from 2 submitters: Pathogenic (2). Last evaluated 2023-06-22.

Conditions:
Hyperlipoproteinemia, type 1D. Also called: Hyperlipoproteinemia, type ID. Identifiers: Orphanet 444490, Orphanet 535458, MedGen C4014767, MONDO:0014412, OMIM 615947.

Submissions (2):

Labcorp Genetics (formerly Invitae), Labcorp
Classification: Pathogenic. Last evaluated: 2023-06-22. Review status: criteria provided, single submitter. Criteria: Invitae Variant Classification Sherloc (09022015). Collection method: clinical testing. Allele origin: germline.
Comment: This variant is not present in population databases (gnomAD no frequency). This sequence change affects an acceptor splice site in intron 2 of the GPIHBP1 gene. It is expected to disrupt RNA splicing. Variants that disrupt the donor or acceptor splice site typically lead to a loss of protein function (PMID: 16199547), and loss-of-function variants in GPIHBP1 are known to be pathogenic (PMID: 21816778, 22008945). Disruption of this splice site has been observed in individuals with familial chylomicronemia syndrome (PMID: 33706081). For these reasons, this variant has been classified as Pathogenic. Algorithms developed to predict the effect of sequence changes on RNA splicing suggest that this variant may disrupt the consensus splice site. ClinVar contains an entry for this variant (Variation ID: 1685860).

Mendelics
Classification: Pathogenic for Hyperlipoproteinemia, type 1D. Last evaluated: 2022-05-04. Review status: criteria provided, single submitter. Criteria: Mendelics Assertion Criteria 2019. Collection method: clinical testing. Allele origin: germline.

Literature cited by the submitters: PubMed 16199547 (cited by Labcorp Genetics (formerly Invitae), Labcorp); PubMed 21816778 (cited by Labcorp Genetics (formerly Invitae), Labcorp); PubMed 22008945 (cited by Labcorp Genetics (formerly Invitae), Labcorp); PubMed 33706081 (cited by Labcorp Genetics (formerly Invitae), Labcorp).

NM_178172.6(GPIHBP1):c.182-1G>T

Gene: GPIHBP1 (glycosylphosphatidylinositol anchored high density lipoprotein binding protein 1; plus strand). Cytogenetic location: 8q24.3.
Variant type: single nucleotide variant.
Coding change: c.182-1G>T on transcript NM_178172.6 (MANE Select); the canonical splice acceptor site of the intron before coding-DNA position 182, G replaced by T.
Molecular consequence: splice acceptor variant.
Genome position (GRCh38, 1-based): chr8:143,215,012, G>T. VCF-style: chr8-143215012-G-T. GRCh37 (hg19) VCF-style: chr8-144296887-G-T.
Other names: c.182-1G>T (NM_001301772.2).
Identifiers: ClinVar variation 1685860 (VCV001685860.4), dbSNP rs2130672651, ClinGen allele CA372401944.
Genomic context (GRCh38, chr8:143,215,012, plus strand): 5'-CAGGGACGTGGGAGGAGACCCTGGGGGGCCCGGCCTCGGCCTGAGCCCGCCTTGTCCCCA[G>T]TGCTGCTGCGGTGCTACACCTGCAAGTCCCTGCCCAGGGACGAGCGCTGCAACCTGACGC-3'